The following is an entry in ClinVar:

NM_000083.3(CLCN1):c.696G>A (p.Glu232=)

Gene: CLCN1 (chloride voltage-gated channel 1; plus strand). Cytogenetic location: 7q34.
Variant type: single nucleotide variant.
Coding change: c.696G>A on transcript NM_000083.3 (MANE Select); coding-DNA position 696, G replaced by A.
Protein change: p.Glu232=; no amino-acid change (glutamic acid 232 retained).
Molecular consequence: synonymous variant. On other transcripts: non-coding transcript variant (1).
Genome position (GRCh38, 1-based): chr7:143,321,848, G>A. VCF-style: chr7-143321848-G-A. GRCh37 (hg19) VCF-style: chr7-143018941-G-A.
Identifiers: ClinVar variation 421069 (VCV000421069.50), dbSNP rs923380712, ClinGen allele CA16618363.

ClinVar aggregate classification (germline): Uncertain significance. Review status: criteria provided, multiple submitters, no conflicts (2 of 4 stars). 3 submissions from 3 submitters: Uncertain significance (3). Last evaluated 2019-04-01.

Conditions:
Congenital myotonia, autosomal recessive form. Also called: Becker Generalized Myotonia; BECKER DISEASE; myotonia congenita, autosomal recessive. Identifiers: Orphanet 614, MedGen C0751360, MONDO:0009715, OMIM 255700.
Congenital myotonia, autosomal dominant form (THD). Also called: THOMSEN DISEASE; Myotonia congenita autosomal dominant. Identifiers: Orphanet 614, MedGen C2936781, MONDO:0008055, OMIM 160800.

Allele frequency attached by ClinVar (database versions not stated): TOPMed 0.00002.
gnomAD v4.1: 4 of 1,614,094 alleles (0.00025%); highest among the groups gnomAD compares: Non-Finnish European, 0.00034%; no homozygotes.

Submissions (3):

CeGaT Center for Human Genetics Tuebingen
Classification: Uncertain significance. Last evaluated: 2019-04-01. Review status: criteria provided, single submitter. Criteria: CeGaT Center For Human Genetics Tuebingen Variant Classification Criteria Version 2. Collection method: clinical testing. Allele origin: germline. Affected: yes. Observed: 1 variant allele.

Labcorp Genetics (formerly Invitae), Labcorp
Classification: Uncertain significance for Congenital myotonia, autosomal recessive form; Congenital myotonia, autosomal dominant form. Last evaluated: 2018-08-05. Review status: criteria provided, single submitter. Criteria: Invitae Variant Classification Sherloc (09022015). Collection method: clinical testing. Allele origin: germline.
Comment: This sequence change affects codon 232 of the CLCN1 mRNA. It is a 'silent' change, meaning that it does not change the encoded amino acid sequence of the CLCN1 protein. This variant also falls at the last nucleotide of exon 5 of the CLCN1 coding sequence, which is part of the consensus splice site for this exon. This variant is not present in population databases (ExAC no frequency). This variant has not been reported in the literature in individuals with CLCN1-related disease. ClinVar contains an entry for this variant (Variation ID: 421069). Nucleotide substitutions within the consensus splice site are a relatively common cause of aberrant splicing (PMID: 17576681, 9536098). Algorithms developed to predict the effect of sequence changes on RNA splicing suggest that this variant may disrupt the consensus splice site, but this prediction has not been confirmed by published transcriptional studies. In summary, the available evidence is currently insufficient to determine the role of this variant in disease. Therefore, it has been classified as a Variant of Uncertain Significance.

GeneDx
Classification: Uncertain significance. Last evaluated: 2017-05-25. Review status: criteria provided, single submitter. Criteria: GeneDx Variant Classification (06012015). Collection method: clinical testing. Allele origin: germline. Affected: yes.
Comment: A variant of uncertain significance has been identified in the CLCN1 gene. The c.696 G>A variant has not been published as a pathogenic variant, nor has it been reported as a benign variant to our knowledge. It was not observed in approximately 6,500 individuals of European and African American ancestry in the NHLBI Exome Sequencing Project, indicating it is not a common benign variant in these populations. Several in-silico splice prediction models predict that c.696 G>A may damage or destroy the natural splice donor site and lead to abnormal gene splicing. However, in the absence of RNA/functional studies, the actual effect of this sequence change in this individual is unknown. Therefore, based on the currently available information, it is unclear whether this variant is a pathogenic variant or a rare benign variant.

Literature cited by the submitters: PubMed 17576681 (cited by Labcorp Genetics (formerly Invitae), Labcorp); PubMed 9536098 (cited by Labcorp Genetics (formerly Invitae), Labcorp).